The following is an entry in ClinVar:

ClinVar aggregate classification (germline): Pathogenic. Review status: criteria provided, multiple submitters, no conflicts (2 of 4 stars). 2 submissions from 2 submitters: Pathogenic (2). Last evaluated 2025-09-22.

Conditions:
Hereditary breast ovarian cancer syndrome. Also called: Hereditary breast and ovarian cancer syndrome; Hereditary breast and/or ovarian cancer syndrome; Hereditary breast and ovarian cancer syndrome (HBOC); Breast and ovarian cancer; BRCA1- and BRCA2-Associated Hereditary Breast and Ovarian Cancer; Hereditary breast and ovarian cancer. Identifiers: Orphanet 145, MedGen C0677776, MeSH D061325, MONDO:0003582. Disease mechanism: loss of function.
Hereditary cancer-predisposing syndrome. Also called: Neoplastic Syndromes, Hereditary; Hereditary Cancer Syndrome; Tumor predisposition; Hereditary neoplastic syndrome. Identifiers: Orphanet 140162, MedGen C0027672, MeSH D009386, MONDO:0015356.

Submissions (2):

Labcorp Genetics (formerly Invitae), Labcorp
Classification: Pathogenic for Hereditary breast ovarian cancer syndrome. Last evaluated: 2025-09-22. Review status: criteria provided, single submitter. Criteria: Invitae Variant Classification Sherloc (09022015). Collection method: clinical testing. Allele origin: germline.
Comment: This sequence change creates a premature translational stop signal (p.Phe2406Cysfs*5) in the BRCA2 gene. It is expected to result in an absent or disrupted protein product. Loss-of-function variants in BRCA2 are known to be pathogenic (PMID: 20104584). This variant is not present in population databases (gnomAD no frequency). This variant has not been reported in the literature in individuals affected with BRCA2-related conditions. ClinVar contains an entry for this variant (Variation ID: 582947). For these reasons, this variant has been classified as Pathogenic.

Ambry Genetics
Classification: Pathogenic for Hereditary cancer-predisposing syndrome. Last evaluated: 2025-05-03. Review status: criteria provided, single submitter. Criteria: Ambry Variant Classification Scheme 2023. Collection method: clinical testing. Allele origin: germline.
Comment: The c.7217_7218delTT pathogenic mutation, located in coding exon 13 of the BRCA2 gene, results from a deletion of two nucleotides at nucleotide positions 7217 to 7218, causing a translational frameshift with a predicted alternate stop codon (p.F2406Cfs*5). This variant was reported in individual(s) with features consistent with BRCA2-related cancer predisposition (Duzkale N et al. Pol J Pathol, 2024;75:192-204). This variant is considered to be rare based on population cohorts in the Genome Aggregation Database (gnomAD). In addition to the clinical data presented in the literature, this alteration is expected to result in loss of function by premature protein truncation or nonsense-mediated mRNA decay. As such, this alteration is interpreted as a disease-causing mutation.

Literature cited by the submitters: PubMed 20104584 (cited by Labcorp Genetics (formerly Invitae), Labcorp); PubMed 39451174 (cited by Ambry Genetics).

NM_000059.4(BRCA2):c.7217_7218del (p.Phe2406fs)

Gene: BRCA2 (BRCA2 DNA repair associated; plus strand). Cytogenetic location: 13q13.1.
Variant type: Deletion.
Coding change: c.7217_7218del on transcript NM_000059.4 (MANE Select); coding-DNA positions 7217 to 7218, 2 bases deleted (TT; older notation c.7217_7218delTT).
Protein change: p.Phe2406fs; shifts the reading frame from phenylalanine 2406.
Molecular consequence: frameshift variant.
Genome position (GRCh38, 1-based): chr13:32,355,070-32,355,071, TT deleted; deleting any 2 consecutive bases within chr13:32,355,069-32,355,071 gives the same sequence; the c. name uses the placement nearest the transcript's 3' end. VCF-style (leftmost placement, unchanged base first): chr13-32355068-CTT-C. GRCh37 (hg19) VCF-style: chr13-32929205-CTT-C.
Other names: c.7217_7218delTT (NM_000059.3); short protein forms F2406fs.
Identifiers: ClinVar variation 582947 (VCV000582947.9), dbSNP rs876659345, ClinGen allele CA891844182.